The following is an entry in ClinVar:

NM_181712.5(KANK4):c.1376A>T (p.Asp459Val)

Gene: KANK4 (KN motif and ankyrin repeat domains 4; minus strand). Cytogenetic location: 1p31.3.
Variant type: single nucleotide variant.
Coding change: c.1376A>T on transcript NM_181712.5 (MANE Select); coding-DNA position 1376, A replaced by T.
Protein change: p.Asp459Val; replaces aspartic acid 459 with valine.
Molecular consequence: missense variant. On other transcripts: intron variant (1).
Genome position (GRCh38, 1-based): chr1:62,273,728, T>A on the plus strand (A>T on the coding strand, the complement: KANK4 is on the minus strand). VCF-style: chr1-62273728-T-A. GRCh37 (hg19) VCF-style: chr1-62739400-T-A.
Other names: c.1376A>T (NM_181712.4); c.17-2139A>T (NM_001320269.2); short protein forms D459V.
Identifiers: ClinVar variation 2731226 (VCV002731226.4), dbSNP rs117226725, ClinGen allele CA884384.

ClinVar aggregate classification (germline): Uncertain significance. Review status: criteria provided, multiple submitters, no conflicts (2 of 4 stars). 2 submissions from 2 submitters: Uncertain significance (2). Last evaluated 2025-11-24.

Allele frequency attached by ClinVar (database versions not stated): TOPMed 0.00004; 1000 Genomes Project 30x 0.00125; gnomAD 0.00015; 1000 Genomes Project 0.00160.

Submissions (2):

Ambry Genetics
Classification: Uncertain significance. Last evaluated: 2025-11-24. Review status: criteria provided, single submitter. Criteria: Ambry Variant Classification Scheme 2023. Collection method: clinical testing. Allele origin: germline.

Labcorp Genetics (formerly Invitae), Labcorp
Classification: Uncertain significance. Last evaluated: 2025-05-20. Review status: criteria provided, single submitter. Criteria: Invitae Variant Classification Sherloc (09022015). Collection method: clinical testing. Allele origin: germline.
Comment: This sequence change replaces aspartic acid, which is acidic and polar, with valine, which is neutral and non-polar, at codon 459 of the KANK4 protein (p.Asp459Val). This variant is present in population databases (rs117226725, gnomAD 0.06%). This variant has not been reported in the literature in individuals affected with KANK4-related conditions. ClinVar contains an entry for this variant (Variation ID: 2731226). An algorithm developed to predict the effect of missense changes on protein structure and function (PolyPhen-2) suggests that this variant is likely to be tolerated. In summary, the available evidence is currently insufficient to determine the role of this variant in disease. Therefore, it has been classified as a Variant of Uncertain Significance.